The following is an entry in ClinVar:

ClinVar aggregate classification (germline): Pathogenic (1 of 4 stars; one submission).

Conditions:
Spastic paraplegia. Identifiers: MedGen C0037772, HP:0001258.

Submission:

Labcorp Genetics (formerly Invitae), Labcorp
Classification: Pathogenic for Spastic paraplegia. Last evaluated: 2022-03-31. Review status: criteria provided, single submitter. Criteria: Invitae Variant Classification Sherloc (09022015). Collection method: clinical testing. Allele origin: germline.
Comment: For these reasons, this variant has been classified as Pathogenic. This variant disrupts a region of the L1CAM protein in which other variant(s) (p.Gly370Arg) have been determined to be pathogenic (PMID: 7562969, 11772994). This suggests that this is a clinically significant region of the protein, and that variants that disrupt it are likely to be disease-causing. This variant has not been reported in the literature in individuals affected with L1CAM-related conditions. This variant results in the deletion of exon 9 and part of exon 10 (c.992-32_1173del) of the L1CAM gene. It is expected to disrupt RNA splicing. Variants that disrupt the donor or acceptor splice site typically lead to a loss of protein function (PMID: 16199547), and loss-of-function variants in L1CAM are known to be pathogenic (PMID: 19846429).

Literature cited by the submitters: PubMed 7562969; PubMed 11772994; PubMed 16199547; PubMed 19846429.

NC_000023.10:g.(?_153135069)_(153135421_?)del

Gene: L1CAM (L1 cell adhesion molecule; minus strand). Cytogenetic location: Xq28.
Variant type: Deletion.
Identifiers: ClinVar variation 2423048 (VCV002423048.4).